The following is an entry in ClinVar:

ClinVar aggregate classification (germline): Conflicting classifications of pathogenicity. Review status: criteria provided, conflicting classifications (1 of 4 stars). 4 submissions from 4 submitters: Uncertain significance (2); Likely benign (2). Last evaluated 2026-07-06.

Conditions:
Inborn genetic diseases. Identifiers: MedGen C0950123, MeSH D030342.
USH2A-related disorder. Also called: USH2A-related disorders; USH2A-related condition. Identifiers: MedGen CN239332.

Allele frequency attached by ClinVar (database versions not stated): gnomAD exomes below 0.00001 and 0.00001; ExAC 0.00001; gnomAD 0.00001.

Submissions (4):

PreventionGenetics, part of Exact Sciences
Classification: Uncertain significance for USH2A-related condition. Last evaluated: 2026-07-06. Review status: criteria provided, single submitter. Criteria: ACMG Guidelines, 2015. Collection method: clinical testing. Allele origin: germline.
Comment: The USH2A c.553A>G variant is predicted to result in the amino acid substitution p.Met185Val. To our knowledge, this variant has not been reported in the literature. This variant is reported in 0.0033% of alleles in individuals of South Asian descent in gnomAD. At this time, the clinical significance of this variant is uncertain due to the absence of conclusive functional and genetic evidence.

Labcorp Genetics (formerly Invitae), Labcorp
Classification: Uncertain significance. Last evaluated: 2024-09-05. Review status: criteria provided, single submitter. Criteria: Invitae Variant Classification Sherloc (09022015). Collection method: clinical testing. Allele origin: germline.
Comment: This sequence change replaces methionine, which is neutral and non-polar, with valine, which is neutral and non-polar, at codon 185 of the USH2A protein (p.Met185Val). This variant is present in population databases (rs770266757, gnomAD 0.003%). This variant has not been reported in the literature in individuals affected with USH2A-related conditions. ClinVar contains an entry for this variant (Variation ID: 666775). Invitae Evidence Modeling of protein sequence and biophysical properties (such as structural, functional, and spatial information, amino acid conservation, physicochemical variation, residue mobility, and thermodynamic stability) indicates that this missense variant is not expected to disrupt USH2A protein function with a negative predictive value of 95%. In summary, the available evidence is currently insufficient to determine the role of this variant in disease. Therefore, it has been classified as a Variant of Uncertain Significance.

Ambry Genetics
Classification: Likely benign for Inborn genetic diseases. Last evaluated: 2021-12-16. Review status: criteria provided, single submitter. Criteria: Ambry Variant Classification Scheme 2023. Collection method: clinical testing. Allele origin: germline.

Laboratory for Molecular Medicine, Mass General Brigham Personalized Medicine
Classification: Likely benign. Last evaluated: 2018-10-31. Review status: criteria provided, single submitter. Criteria: LMM Criteria. Collection method: clinical testing. Allele origin: germline. Observed: 1 variant allele.
Comment: The p.Met185Val variant in USH2A is classified as likely benign due to a lack of conservation across species. Several mammals including chimp, marmoset, squirre l monkey, alpaca, and Bactrian camel have a valine (Val) at this position. It ha s been identified in 1/30778 South Asian chromosomes by the Genome Aggregation D atabase (gnomAD). ACMG/AMP Criteria applied: B P4_Strong

NM_206933.4(USH2A):c.553A>G (p.Met185Val)

Gene: USH2A (usherin; minus strand). Cytogenetic location: 1q41.
Variant type: single nucleotide variant.
Coding change: c.553A>G on transcript NM_206933.4 (MANE Select); coding-DNA position 553, A replaced by G.
Protein change: p.Met185Val; replaces methionine 185 with valine.
Molecular consequence: missense variant.
Genome position (GRCh38, 1-based): chr1:216,418,612, T>C on the plus strand (A>G on the coding strand, the complement: USH2A is on the minus strand). VCF-style: chr1-216418612-T-C. GRCh37 (hg19) VCF-style: chr1-216591954-T-C.
Other names: c.553A>G, p.Met185Val (NM_007123.6); short protein forms M185V.
Identifiers: ClinVar variation 666775 (VCV000666775.10), dbSNP rs770266757, ClinGen allele CA1396754.